The following is an entry in ClinVar:

NM_000245.4(MET):c.401G>A (p.Gly134Asp)

Gene: MET (MET proto-oncogene, receptor tyrosine kinase; plus strand). Cytogenetic location: 7q31.2.
Variant type: single nucleotide variant.
Coding change: c.401G>A on transcript NM_000245.4 (MANE Select); coding-DNA position 401, G replaced by A.
Protein change: p.Gly134Asp; replaces glycine 134 with aspartic acid.
Molecular consequence: missense variant. On other transcripts: intron variant (1).
Genome position (GRCh38, 1-based): chr7:116,699,485, G>A. VCF-style: chr7-116699485-G-A. GRCh37 (hg19) VCF-style: chr7-116339539-G-A.
Other names: c.401G>A (NM_001127500.1); c.401G>A, p.Gly134Asp (NM_001127500.3, NM_001324401.3); c.-91+26908G>A (NM_001324402.2); short protein forms G134D.
Identifiers: ClinVar variation 1393298 (VCV001393298.9), dbSNP rs2116587889, ClinGen allele CA368969000.

ClinVar aggregate classification (germline): Uncertain significance. Review status: criteria provided, multiple submitters, no conflicts (2 of 4 stars). 3 submissions from 3 submitters: Uncertain significance (3). Last evaluated 2026-09-08.

Conditions:
Renal cell carcinoma. Identifiers: Orphanet 217071, MedGen C0007134, MeSH D002292, MONDO:0005086, HP:0005584.
Hereditary cancer-predisposing syndrome. Also called: Hereditary Cancer Syndrome; Neoplastic Syndromes, Hereditary; Hereditary neoplastic syndrome; Tumor predisposition. Identifiers: Orphanet 140162, MedGen C0027672, MeSH D009386, MONDO:0015356.
Autosomal recessive nonsyndromic hearing loss 97. Also called: Deafness, autosomal recessive 97. Identifiers: Orphanet 90636, MedGen C4084709, MONDO:0014739, OMIM 616705.

Allele frequency attached by ClinVar (database versions not stated): gnomAD exomes below 0.00001.
gnomAD v4.1: 1 of 1,613,970 alleles (0.000062%); highest among the groups gnomAD compares: Non-Finnish European, 0.000085%; no homozygotes.

Submissions (3):

Ambry Genetics
Classification: Uncertain significance for Hereditary cancer-predisposing syndrome. Last evaluated: 2026-09-08. Review status: criteria provided, single submitter. Criteria: Ambry Variant Classification Scheme 2023. Collection method: clinical testing. Allele origin: germline.
Comment: The p.G134D variant (also known as c.401G>A), located in coding exon 1 of the MET gene, results from a G to A substitution at nucleotide position 401. The glycine at codon 134 is replaced by aspartic acid, an amino acid with similar properties. This amino acid position is highly conserved in available vertebrate species. In addition, this alteration is predicted to be deleterious by in silico analysis. Based on the available evidence, the clinical significance of this variant remains unclear.

Baylor Genetics
Classification: Uncertain significance for Autosomal recessive nonsyndromic hearing loss 97. Last evaluated: 2023-10-05. Review status: criteria provided, single submitter. Criteria: ACMG Guidelines, 2015. Collection method: clinical testing. Allele origin: unknown.

Labcorp Genetics (formerly Invitae), Labcorp
Classification: Uncertain significance for Renal cell carcinoma. Last evaluated: 2022-06-12. Review status: criteria provided, single submitter. Criteria: Invitae Variant Classification Sherloc (09022015). Collection method: clinical testing. Allele origin: germline.
Comment: In summary, the available evidence is currently insufficient to determine the role of this variant in disease. Therefore, it has been classified as a Variant of Uncertain Significance. Algorithms developed to predict the effect of missense changes on protein structure and function are either unavailable or do not agree on the potential impact of this missense change (SIFT: "Deleterious"; PolyPhen-2: "Probably Damaging"; Align-GVGD: "Class C0"). This variant has not been reported in the literature in individuals affected with MET-related conditions. This variant is not present in population databases (gnomAD no frequency). This sequence change replaces glycine, which is neutral and non-polar, with aspartic acid, which is acidic and polar, at codon 134 of the MET protein (p.Gly134Asp).